The following is an entry in ClinVar:

NM_001701.4(BAAT):c.*1475G>A

Gene: BAAT (bile acid-CoA:amino acid N-acyltransferase; minus strand). Cytogenetic location: 9q31.1.
Variant type: single nucleotide variant.
Coding change: c.*1475G>A on transcript NM_001701.4 (MANE Select); 1475 bases downstream of the stop codon, G replaced by A.
Molecular consequence: 3 prime UTR variant.
Genome position (GRCh38, 1-based): chr9:101,360,953, C>T on the plus strand (G>A on the coding strand, the complement: BAAT is on the minus strand). VCF-style: chr9-101360953-C-T. GRCh37 (hg19) VCF-style: chr9-104123235-C-T.
Other names: NC_000009.11:g.104123235C>T; c.*1475G>A (NM_001127610.2, NM_001374715.1).
Identifiers: ClinVar variation 364253 (VCV000364253.7), dbSNP rs10120345, ClinGen allele CA10626047.
Genomic context (GRCh38, chr9:101,360,953, plus strand): 5'-TCATTTAGCTGTGACTTTTTACACTTGGAGAAAACATGTAAGAAAACATTTCTTGGTGCA[C>T]AAGAAGGATAAAAATGCAAATGTATGGTATGTAAGATCATGTTAGCAGCCAGTGTTGGAG-3'

ClinVar aggregate classification (germline): Benign. Review status: criteria provided, multiple submitters, no conflicts (2 of 4 stars). 2 submissions from 2 submitters: Benign (2). Last evaluated 2018-01-13.

Conditions:
Hypercholanemia, familial 1 (FHCA1). Identifiers: Orphanet 238475, MedGen C5542604, MONDO:0031446, OMIM 607748.

Allele frequency attached by ClinVar (database versions not stated): gnomAD exomes 0.12937; 1000 Genomes Project 0.17432; 1000 Genomes Project 30x 0.17786; TOPMed 0.18009.
gnomAD v4.1: 27,605 of 160,522 alleles (17%); highest among the groups gnomAD compares: African/African-American, 27%; 2,789 homozygotes.

Submissions (11):

Illumina Laboratory Services, Illumina
Classification: Benign for Hypercholanemia, familial 1. Last evaluated: 2018-01-13. Review status: criteria provided, single submitter. Criteria: ICSL Variant Classification Criteria 13 December 2019. Collection method: clinical testing. Allele origin: germline.
Comment: This variant was observed in the ICSL laboratory as part of a predisposition screen in an ostensibly healthy population. It had not been previously curated by ICSL or reported in the Human Gene Mutation Database (HGMD: prior to June 1st, 2018), and was therefore a candidate for classification through an automated scoring system. Utilizing variant allele frequency, disease prevalence and penetrance estimates, and inheritance mode, an automated score was calculated to assess if this variant is too frequent to cause the disease. Based on the score and internal cut-off values, a variant classified as benign is not then subjected to further curation. The score for this variant resulted in a classification of benign for this disease.

Breakthrough Genomics
Classification: Benign. Review status: criteria provided, single submitter. Criteria: ACMG Guidelines, 2015. Collection method: not provided. Allele origin: germline. Inheritance: Autosomal recessive inheritance. Affected: yes.

Dr. Peter K. Rogan Lab, Western University
No classification provided (evidence only). Condition: Thyroid cancer, nonmedullary, 1. Review status: no classification provided. Collection method: in vitro. Allele origin: not applicable. Functional consequence: retained intron. Not counted in ClinVar's aggregate classification.

Dr. Peter K. Rogan Lab, Western University
No classification provided (evidence only). Condition: Thyroid cancer, nonmedullary, 1. Review status: no classification provided. Collection method: in vitro. Allele origin: not applicable. Functional consequence: retained intron. Not counted in ClinVar's aggregate classification.

Dr. Peter K. Rogan Lab, Western University
No classification provided (evidence only). Condition: Hepatocellular carcinoma. Review status: no classification provided. Collection method: in vitro. Allele origin: not applicable. Functional consequence: retained intron. Not counted in ClinVar's aggregate classification.

Dr. Peter K. Rogan Lab, Western University
No classification provided (evidence only). Condition: Cholangiocarcinoma. Review status: no classification provided. Collection method: in vitro. Allele origin: not applicable. Functional consequence: retained intron. Not counted in ClinVar's aggregate classification.

Dr. Peter K. Rogan Lab, Western University
No classification provided (evidence only). Condition: Uterine carcinosarcoma. Review status: no classification provided. Collection method: in vitro. Allele origin: not applicable. Functional consequence: retained intron. Not counted in ClinVar's aggregate classification.

Dr. Peter K. Rogan Lab, Western University
No classification provided (evidence only). Condition: Uterine carcinosarcoma. Review status: no classification provided. Collection method: in vitro. Allele origin: not applicable. Functional consequence: retained intron. Not counted in ClinVar's aggregate classification.

Dr. Peter K. Rogan Lab, Western University
No classification provided (evidence only). Condition: Uterine carcinosarcoma. Review status: no classification provided. Collection method: in vitro. Allele origin: not applicable. Functional consequence: retained intron. Not counted in ClinVar's aggregate classification.

Dr. Peter K. Rogan Lab, Western University
No classification provided (evidence only). Condition: Uterine carcinosarcoma. Review status: no classification provided. Collection method: in vitro. Allele origin: not applicable. Functional consequence: retained intron. Not counted in ClinVar's aggregate classification.

Dr. Peter K. Rogan Lab, Western University
No classification provided (evidence only). Condition: Uterine carcinosarcoma. Review status: no classification provided. Collection method: in vitro. Allele origin: not applicable. Functional consequence: retained intron. Not counted in ClinVar's aggregate classification.